The following is an entry in ClinVar:

ClinVar aggregate classification (germline): Uncertain significance. Review status: criteria provided, multiple submitters, no conflicts (2 of 4 stars). 2 submissions from 2 submitters: Uncertain significance (2). Last evaluated 2026-05-18.

Allele frequency attached by ClinVar (database versions not stated): ESP Exome Variant Server 0.00008; gnomAD 0.00003 and 0.00004; gnomAD exomes 0.00002; TOPMed 0.00002; ExAC 0.00001.
gnomAD v4.1: 40 of 1,613,994 alleles (0.0025%); highest among the groups gnomAD compares: East Asian, 0.074%; no homozygotes.

Submissions (2):

Women's Health and Genetics/Laboratory Corporation of America, LabCorp
Classification: Uncertain significance. Last evaluated: 2026-05-18. Review status: criteria provided, single submitter. Criteria: LabCorp Variant Classification Summary - May 2015. Collection method: clinical testing. Allele origin: germline.

GeneDx
Classification: Uncertain significance. Last evaluated: 2014-07-01. Review status: criteria provided, single submitter. Criteria: GeneDx Variant Classification (06012015). Collection method: clinical testing. Allele origin: germline. Affected: yes.
Comment: Missense variants in the TTN gene are considered 'unclassified' if they are not previously reported in the literature and do not have >1% frequency in the population to be considered a polymorphism. Research indicates that truncating mutations in the TTN gene are expected to account for approximately 25% of familial and 18% of sporadic idiopathic DCM; however, truncating variants in the TTN gene have been reported in approximately 3% of reported control alleles. There has been little investigation into non-truncating variants. (Herman D et al. Truncations of titin causing dilated cardiomyopathy. N Eng J Med 366:619-628, 2012) The variant is found in CARDIOMYOPATHY panel(s).

NM_001267550.2(TTN):c.890G>A (p.Arg297Gln)

Gene: TTN (titin; minus strand). Cytogenetic location: 2q31.2.
Variant type: single nucleotide variant.
Coding change: c.890G>A on transcript NM_001267550.2 (MANE Select); coding-DNA position 890, G replaced by A.
Protein change: p.Arg297Gln; replaces arginine 297 with glutamine.
Molecular consequence: missense variant.
Genome position (GRCh38, 1-based): chr2:178,799,511, C>T on the plus strand (G>A on the coding strand, the complement: TTN is on the minus strand). VCF-style: chr2-178799511-C-T. GRCh37 (hg19) VCF-style: chr2-179664238-C-T.
Other names: p.R297Q:CGG>CAG; c.890G>A, p.Arg297Gln (NM_001256850.1, NM_003319.4, NM_133378.4 and 3 more transcripts); short protein forms R297Q.
Identifiers: ClinVar variation 203296 (VCV000203296.3), dbSNP rs367974490, ClinGen allele CA311954.